The following is an entry in ClinVar:

ClinVar aggregate classification (germline): Benign/Likely benign. Review status: criteria provided, multiple submitters, no conflicts (2 of 4 stars). 8 submissions from 8 submitters: Benign (2); Likely benign (6). Last evaluated 2026-02-03.

Conditions:
Hereditary cancer-predisposing syndrome. Also called: Neoplastic Syndromes, Hereditary; Tumor predisposition; Hereditary Cancer Syndrome; Hereditary neoplastic syndrome. Identifiers: Orphanet 140162, MedGen C0027672, MeSH D009386, MONDO:0015356.
Tuberous sclerosis 2 (TSC2). Identifiers: Orphanet 805, MedGen C1860707, MONDO:0013199, OMIM 613254.
Lymphangiomyomatosis (LAM). Also called: Lymphangioleiomyomatosis, somatic; Lymphangioleiomyomatosis. Identifiers: Orphanet 538, MedGen C0751674, MONDO:0011705, OMIM 606690.
Isolated focal cortical dysplasia type II (FCORD2). Also called: CORTICAL DYSPLASIA OF TAYLOR; Focal cortical dysplasia type II. Identifiers: Orphanet 268994, MedGen C1846385, MONDO:0011818, OMIM 607341, HP:0032051.
Tuberous sclerosis syndrome (TSC). Also called: Tuberous Sclerosis Complex; Tuberous sclerosis. Identifiers: Orphanet 805, MedGen C0041341, MONDO:0001734.

gnomAD v4.1: 7 of 1,612,840 alleles (0.00043%); highest among the groups gnomAD compares: Admixed American, 0.012%; no homozygotes.

Submissions (8):

Labcorp Genetics (formerly Invitae), Labcorp
Classification: Likely benign for Tuberous sclerosis 2. Last evaluated: 2026-02-03. Review status: criteria provided, single submitter. Criteria: Invitae Variant Classification Sherloc (09022015). Collection method: clinical testing. Allele origin: germline.

Myriad Genetics, Inc.
Classification: Benign for Tuberous sclerosis 2. Last evaluated: 2025-05-28. Review status: criteria provided, single submitter. Criteria: Myriad Autosomal Dominant, Autosomal Recessive and X-Linked Classification Criteria (2023). Collection method: clinical testing. Allele origin: unknown.
Comment: This variant is considered benign. This variant is a silent/synonymous amino acid change and it is not expected to impact splicing.

All of Us Research Program, National Institutes of Health
Classification: Likely benign for Tuberous sclerosis syndrome. Last evaluated: 2024-09-23. Review status: criteria provided, single submitter. Criteria: ACMG Guidelines, 2015. Collection method: clinical testing. Allele origin: germline. Inheritance: Autosomal dominant inheritance. Observed: 10 variant alleles, 10 heterozygotes.
Comment: This study involves interpretation of variants in research participants for the purpose of population health screening. Participant phenotype was not available at the time of variant classification. Additional details can be found in publication PMID: 35346344, PMCID: PMC8962531

GeneDx
Classification: Likely benign. Last evaluated: 2024-04-05. Review status: criteria provided, single submitter. Criteria: GeneDx Variant Classification Process June 2021. Collection method: clinical testing. Allele origin: germline.
Comment: See Variant Classification Assertion Criteria.

Color Diagnostics, LLC DBA Color Health
Classification: Likely benign for Tuberous sclerosis syndrome. Last evaluated: 2022-09-29. Review status: criteria provided, single submitter. Criteria: ACMG Guidelines, 2015. Collection method: clinical testing. Allele origin: germline.

Genome-Nilou Lab
Classification: Benign for Tuberous sclerosis 2. Last evaluated: 2021-11-07. Review status: criteria provided, single submitter. Criteria: ACMG Guidelines, 2015. Collection method: clinical testing. Allele origin: germline. Affected: no.

Fulgent Genetics
Classification: Likely benign for Lymphangiomyomatosis; Isolated focal cortical dysplasia type II; Tuberous sclerosis 2. Last evaluated: 2021-10-14. Review status: criteria provided, single submitter. Criteria: ACMG Guidelines, 2015. Collection method: clinical testing. Allele origin: unknown.

Ambry Genetics
Classification: Likely benign for Hereditary cancer-predisposing syndrome. Last evaluated: 2021-07-19. Review status: criteria provided, single submitter. Criteria: Ambry Variant Classification Scheme 2023. Collection method: clinical testing. Allele origin: germline.

NM_000548.5(TSC2):c.3210G>T (p.Thr1070=)

Gene: TSC2 (TSC complex subunit 2; plus strand). Cytogenetic location: 16p13.3.
Variant type: single nucleotide variant.
Coding change: c.3210G>T on transcript NM_000548.5 (MANE Select); coding-DNA position 3210, G replaced by T.
Protein change: p.Thr1070=; no amino-acid change (threonine 1070 retained).
Molecular consequence: synonymous variant.
Genome position (GRCh38, 1-based): chr16:2,079,354, G>T. VCF-style: chr16-2079354-G-T. GRCh37 (hg19) VCF-style: chr16-2129355-G-T.
Other names: c.3078G>T, p.Thr1026= (NM_001077183.3, NM_001370404.1); c.3210G>T, p.Thr1070= (NM_001114382.3); c.2970G>T, p.Thr990= (NM_001318827.2); c.2934G>T, p.Thr978= (NM_001318829.2); c.2478G>T, p.Thr826= (NM_001318831.2); c.3111G>T, p.Thr1037= (NM_001318832.2); c.3081G>T, p.Thr1027= (NM_001363528.2, NM_001370405.1, NM_021055.3).
Identifiers: ClinVar variation 1102334 (VCV001102334.20), dbSNP rs539927192, ClinGen allele CA493042911.